The following is an entry in ClinVar:

NM_205768.3(ZBTB18):c.1344A>G (p.Thr448=)

Gene: ZBTB18 (zinc finger and BTB domain containing 18; plus strand). Cytogenetic location: 1q44.
Variant type: single nucleotide variant.
Coding change: c.1344A>G on transcript NM_205768.3 (MANE Select); coding-DNA position 1344, A replaced by G.
Protein change: p.Thr448=; no amino-acid change (threonine 448 retained).
Molecular consequence: synonymous variant.
Genome position (GRCh38, 1-based): chr1:244,055,118, A>G. VCF-style: chr1-244055118-A-G. GRCh37 (hg19) VCF-style: chr1-244218420-A-G.
Other names: c.1317A>G, p.Thr439= (NM_001278196.2, NM_006352.5).
Identifiers: ClinVar variation 745590 (VCV000745590.12), dbSNP rs138662107, ClinGen allele CA1484446.

ClinVar aggregate classification (germline): Likely benign. Review status: criteria provided, multiple submitters, no conflicts (2 of 4 stars). 2 submissions from 2 submitters: Likely benign (2). Last evaluated 2026-02-01.

Allele frequency attached by ClinVar (database versions not stated): gnomAD exomes 0.00003 and 0.00007; ExAC 0.00009; gnomAD 0.00023 and 0.00025; TOPMed 0.00031; ESP Exome Variant Server 0.00046; 1000 Genomes Project 30x 0.00094; 1000 Genomes Project 0.00120.
gnomAD v4.1: 83 of 1,614,140 alleles (0.0051%); highest among the groups gnomAD compares: African/African-American, 0.1%; no homozygotes.

Submissions (2):

CeGaT Center for Human Genetics Tuebingen
Classification: Likely benign. Last evaluated: 2026-02-01. Review status: criteria provided, single submitter. Criteria: CeGaT Center For Human Genetics Tuebingen Variant Classification Criteria Version 2. Collection method: clinical testing. Allele origin: germline. Affected: yes. Observed: 1 variant allele.
Comment: ZBTB18: BP4, BP7

Labcorp Genetics (formerly Invitae), Labcorp
Classification: Likely benign. Last evaluated: 2024-05-22. Review status: criteria provided, single submitter. Criteria: Invitae Variant Classification Sherloc (09022015). Collection method: clinical testing. Allele origin: germline.